The following is an entry in ClinVar:

NM_001379403.1(WDR26):c.1608A>T (p.Glu536Asp)

Gene: WDR26 (WD repeat domain 26; minus strand). Cytogenetic location: 1q42.12.
Variant type: single nucleotide variant.
Coding change: c.1608A>T on transcript NM_001379403.1 (MANE Select); coding-DNA position 1608, A replaced by T.
Protein change: p.Glu536Asp; replaces glutamic acid 536 with aspartic acid.
Molecular consequence: missense variant.
Genome position (GRCh38, 1-based): chr1:224,401,061, T>A on the plus strand (A>T on the coding strand, the complement: WDR26 is on the minus strand). VCF-style: chr1-224401061-T-A. GRCh37 (hg19) VCF-style: chr1-224588763-T-A.
Other names: c.1260A>T, p.Glu420Asp (NM_001115113.3); c.1308A>T, p.Glu436Asp (NM_025160.7); short protein forms E436D, E420D, E536D.
Identifiers: ClinVar variation 5002348 (VCV005002348.1).

ClinVar aggregate classification (germline): Uncertain significance (1 of 4 stars; one submission).

Conditions:
WDR26-related disorder. Also called: WDR26-related condition.

Submission:

PreventionGenetics, part of Exact Sciences
Classification: Uncertain significance for WDR26-related condition. Last evaluated: 2025-01-14. Review status: criteria provided, single submitter. Criteria: ACMG Guidelines, 2015. Collection method: clinical testing. Allele origin: germline.
Comment: The WDR26 c.1308A>T variant is predicted to result in the amino acid substitution p.Glu436Asp. To our knowledge, this variant has not been reported in the literature or in a large population database (gnomAD), indicating this variant is rare. At this time, the clinical significance of this variant is uncertain due to the absence of conclusive functional and genetic evidence.